The following is an entry in ClinVar:

NM_001139.3(ALOX12B):c.163_173del (p.Val55fs)

Gene: ALOX12B (arachidonate 12-lipoxygenase, 12R type; minus strand). Cytogenetic location: 17p13.1.
Variant type: Deletion.
Coding change: c.163_173del on transcript NM_001139.3 (MANE Select); coding-DNA positions 163 to 173, 11 bases deleted (GTGCAGTGCCC).
Protein change: p.Val55fs; shifts the reading frame from valine 55.
Molecular consequence: frameshift variant.
Genome position (GRCh38, 1-based): chr17:8,086,195-8,086,205, GGGCACTGCAC deleted on the plus strand (GTGCAGTGCCC on the coding strand, the reverse complement: ALOX12B is on the minus strand); deleting any 11 consecutive bases within chr17:8,086,195-8,086,207 gives the same sequence; the c. name uses the placement nearest the transcript's 3' end. VCF-style (leftmost placement, unchanged base first): chr17-8086194-AGGGCACTGCAC-A. GRCh37 (hg19) VCF-style: chr17-7989512-AGGGCACTGCAC-A.
Other names: short protein forms V55fs.
Identifiers: ClinVar variation 5005856 (VCV005005856.2).

ClinVar aggregate classification (germline): Likely pathogenic (1 of 4 stars; one submission).

Conditions:
Autosomal recessive congenital ichthyosis 2 (ARCI2). Identifiers: Orphanet 281122, Orphanet 79394, MedGen C3888093, MONDO:0009439, OMIM 242100.

Submission:

Juno Genomics, Hangzhou Juno Genomics, Inc
Classification: Likely pathogenic for Autosomal recessive congenital ichthyosis 2. Review status: criteria provided, single submitter. Criteria: ACMG Guidelines, 2015. Collection method: clinical testing. Allele origin: germline.
Comment: Null variant in a gene where loss of function (LOF) is a known mechanism of disease.;Absent from controls (or at extremely low frequency if recessive) in Genome Aggregation Database.